The following is an entry in ClinVar:

NM_000059.4(BRCA2):c.2957A>G (p.Asn986Ser)

Gene: BRCA2 (BRCA2 DNA repair associated; plus strand). Cytogenetic location: 13q13.1.
Variant type: single nucleotide variant.
Coding change: c.2957A>G on transcript NM_000059.4 (MANE Select); coding-DNA position 2957, A replaced by G.
Protein change: p.Asn986Ser; replaces asparagine 986 with serine.
Molecular consequence: missense variant.
Genome position (GRCh38, 1-based): chr13:32,337,312, A>G. VCF-style: chr13-32337312-A-G. GRCh37 (hg19) VCF-style: chr13-32911449-A-G.
Other names: p.N986S:AAT>AGT; short protein forms N986S.
Identifiers: ClinVar variation 51377 (VCV000051377.43), dbSNP rs28897718, ClinGen allele CA016896.

ClinVar aggregate classification (germline): Conflicting classifications of pathogenicity. Review status: criteria provided, conflicting classifications (1 of 4 stars). 17 submissions from 17 submitters: Uncertain significance (4); Benign (2); Likely benign (7). 4 of the submissions do not count toward it. Last evaluated 2026-02-03.

Conditions:
Breast and/or ovarian cancer. Identifiers: MedGen CN221562.
BRCA2-related disorder. Also called: BRCA2-related condition; BRCA2-related disorders. Identifiers: MedGen CN239275.
Hereditary cancer-predisposing syndrome. Also called: Neoplastic Syndromes, Hereditary; Tumor predisposition; Hereditary Cancer Syndrome; Hereditary neoplastic syndrome. Identifiers: Orphanet 140162, MedGen C0027672, MeSH D009386, MONDO:0015356.
Hereditary breast ovarian cancer syndrome. Also called: Breast and ovarian cancer; BRCA1- and BRCA2-Associated Hereditary Breast and Ovarian Cancer; Hereditary breast and ovarian cancer syndrome; Hereditary breast and/or ovarian cancer syndrome; Hereditary breast and ovarian cancer syndrome (HBOC); Hereditary breast and ovarian cancer. Identifiers: Orphanet 145, MedGen C0677776, MeSH D061325, MONDO:0003582. Disease mechanism: loss of function.
Breast-ovarian cancer, familial, susceptibility to, 2 (BROVCA2). Also called: BRCA2 Hereditary Breast and Ovarian Cancer. Identifiers: Orphanet 145, MedGen C2675520, MONDO:0012933, OMIM 612555. Disease mechanism: loss of function.

Allele frequency attached by ClinVar (database versions not stated): ExAC 0.00001; gnomAD exomes 0.00005 and 0.00009; gnomAD 0.00006; TOPMed 0.00008; ESP Exome Variant Server 0.00015.
gnomAD v4.1: 136 of 1,613,154 alleles (0.0084%); highest among the groups gnomAD compares: Non-Finnish European, 0.011%; no homozygotes.

Submissions (17):

Labcorp Genetics (formerly Invitae), Labcorp
Classification: Likely benign for Hereditary breast ovarian cancer syndrome. Last evaluated: 2026-02-03. Review status: criteria provided, single submitter. Criteria: Invitae Variant Classification Sherloc (09022015). Collection method: clinical testing. Allele origin: germline.

Institute for Biomarker Research, Medical Diagnostic Laboratories, L.L.C.
Classification: Uncertain significance for Hereditary breast ovarian cancer syndrome. Last evaluated: 2024-12-09. Review status: criteria provided, single submitter. Criteria: ACMG Guidelines, 2015. Collection method: clinical testing. Allele origin: germline.
Comment: The missense variant NM_000059.4(BRCA2):c.2957A>G (p.Asn986Ser) has not been reported previously as a pathogenic variant, to our knowledge. The gene BRCA2 contains 148 pathogenic missense variants, indicating that missense variants are a common mechanism of disease in this gene. The p.Asn986Ser missense variant is predicted to be tolerated by both SIFT or PolyPhen2. The nucleotide c.2957 in BRCA2 is not conserved according to a GERP++ and PhyloP analysis of 100 vertebrates. For these reasons, this variant has been classified as Uncertain Significance.

Women's Health and Genetics/Laboratory Corporation of America, LabCorp
Classification: Likely benign. Last evaluated: 2024-11-20. Review status: criteria provided, single submitter. Criteria: LabCorp Variant Classification Summary - May 2015. Collection method: clinical testing. Allele origin: germline.
Comment: Variant summary: BRCA2 c.2957A>G (p.Asn986Ser) results in a conservative amino acid change in the encoded protein sequence. Five of five in-silico tools predict a benign effect of the variant on protein function. The variant allele was found at a frequency of 5.2e-05 in 249782 control chromosomes (gnomAD). This frequency is not significantly higher than estimated for a pathogenic variant in BRCA2 causing Hereditary Breast And Ovarian Cancer Syndrome (5.2e-05 vs 0.00075), allowing no conclusion about variant significance. c.2957A>G has been reported in the literature in individuals affected with Breast Cancer, as well as unaffected controls (e.g. Borg 2008, Capanu_2011, Wong-Brown 2015, Dorling_2021). These reports do not provide unequivocal conclusions about association of the variant with Hereditary Breast And Ovarian Cancer Syndrome. At-least one co-occurrence with another pathogenic variant has been reported (BRCA2 c.2808_2811delACAA, p.Ala938Profs), providing supporting evidence for a benign role. At least one publication reports experimental evidence evaluating an impact on protein function (Biswas_2020). These results showed no damaging effect of this variant based on probability of impact on function (PIF) of variants based on cell survival (HAT) and drug sensitivity (DS) assay results individually and combined (HAT +DS). The following publications have been ascertained in the context of this evaluation (PMID: 20104584, 21520273, 23929434, 25682074, 33293522, 33471991). ClinVar contains an entry for this variant (Variation ID: 51377). Based on the evidence outlined above, the variant was classified as likely benign.

Blueprint Genetics
Classification: Likely benign. Last evaluated: 2024-11-07. Review status: criteria provided, single submitter. Criteria: ACMG Guidelines, 2015. Collection method: clinical testing. Allele origin: germline.

Quest Diagnostics Nichols Institute San Juan Capistrano
Classification: Likely benign. Last evaluated: 2024-10-31. Review status: criteria provided, single submitter. Criteria: Quest Diagnostics criteria. Collection method: clinical testing. Allele origin: unknown.

All of Us Research Program, National Institutes of Health
Classification: Benign for Breast-ovarian cancer, familial, susceptibility to, 2. Last evaluated: 2023-12-01. Review status: criteria provided, single submitter. Criteria: ACMG Guidelines, 2015. Collection method: clinical testing. Allele origin: germline. Inheritance: Autosomal dominant inheritance. Observed: 19 variant alleles, 19 heterozygotes.
Comment: This study involves interpretation of variants in research participants for the purpose of population health screening. Participant phenotype was not available at the time of variant classification. Additional details can be found in publication PMID: 35346344, PMCID: PMC8962531

University of Washington Department of Laboratory Medicine, University of Washington
Classification: Likely benign for Hereditary cancer-predisposing syndrome. Last evaluated: 2023-03-23. Review status: criteria provided, single submitter. Criteria: Dines et al. (Genet Med. 2020). Collection method: curation. Allele origin: germline.
Comment: Missense variant in a coldspot region where missense variants are very unlikely to be pathogenic (PMID:31911673).

BRCA2 exon 11 coldspot. Reclassification based on statistical prior probability.

Sema4
Classification: Uncertain significance for Hereditary cancer-predisposing syndrome. Last evaluated: 2021-12-21. Review status: criteria provided, single submitter. Criteria: Sema4 Curation Guidelines. Collection method: curation. Allele origin: germline.
Comment: The BRCA2 c.2957A>G (p.N986S) variant has been reported in heterozygosity in at least four individuals with breast cancer (PMID: 20104584, 21520273, 25682074, 33471991). It has also been reported in multiple healthy controls (PMID: 33471991). It is also known as 3185A>G in the literature. This variant was observed in 12/126096 chromosomes in the European (non-Finnish) population according to the Genome Aggregation Database (PMID: 32461654). This variant has been reported in ClinVar (Variation ID: 51377). In silico tools suggest the impact of the variant on protein function is benign, though these predictions have not been confirmed by functional studies. The overall evidence is inconsistent with ACMG/AMP requirements for a classification of benign or pathogenic. In summary, the clinical significance of this variant is currently uncertain.

GeneDx
Classification: Likely benign. Last evaluated: 2020-05-11. Review status: criteria provided, single submitter. Criteria: GeneDx Variant Classification Process June 2021. Collection method: clinical testing. Allele origin: germline. Affected: yes.
Comment: This variant is associated with the following publications: (PMID: 20104584, 25682074, 23929434, 27882345, 21520273)

Mayo Clinic Laboratories, Mayo Clinic
Classification: Uncertain significance. Last evaluated: 2019-04-25. Review status: criteria provided, single submitter. Criteria: ACMG Guidelines, 2015. Collection method: clinical testing. Allele origin: germline. Observed: 1 variant allele.

ARUP Laboratories, Molecular Genetics and Genomics, ARUP Laboratories
Classification: Uncertain significance. Last evaluated: 2019-03-07. Review status: criteria provided, single submitter. Criteria: ARUP Molecular Germline Variant Investigation Process. Collection method: clinical testing. Allele origin: germline.
Comment: The BRCA2 c.2957A>G; p.Asn986Ser variant (rs28897718) is reported in the literature in several individuals affected with breast cancer, although its clinical significance was not determined in these studies (Borg 2010, Wong-Brown 2015). This variant is reported in ClinVar (Variation ID: 51377), and it is found in the non-Finnish European population with an overall allele frequency of 0.01% (13/128448 alleles) in the Genome Aggregation Database. The asparagine at codon 986 is moderately conserved and computational analyses (SIFT, PolyPhen-2) predict that this variant is tolerated. However, given the lack of clinical and functional data, the significance of the p.Asn986Ser variant is uncertain at this time. References: Borg A et al. Characterization of BRCA1 and BRCA2 deleterious mutations and variants of unknown clinical significance in unilateral and bilateral breast cancer: the WECARE study. Hum Mutat. 2010 Mar;31(3):E1200-40. Wong-Brown MW et al. Prevalence of BRCA1 and BRCA2 germline mutations in patients with triple-negative breast cancer. Breast Cancer Res Treat. 2015 Feb;150(1):71-80.

Ambry Genetics
Classification: Likely benign for Hereditary cancer-predisposing syndrome. Last evaluated: 2018-05-25. Review status: criteria provided, single submitter. Criteria: Ambry Variant Classification Scheme 2023. Collection method: clinical testing. Allele origin: germline.

Color Diagnostics, LLC DBA Color Health
Classification: Benign for Hereditary cancer-predisposing syndrome. Last evaluated: 2016-09-07. Review status: criteria provided, single submitter. Criteria: ACMG Guidelines, 2015. Collection method: clinical testing. Allele origin: germline.

PreventionGenetics, part of Exact Sciences
Classification: Uncertain significance for BRCA2-related condition. Last evaluated: 2024-01-09. Review status: no assertion criteria provided. Collection method: clinical testing. Allele origin: germline. Not counted in ClinVar's aggregate classification.
Comment: The BRCA2 c.2957A>G variant is predicted to result in the amino acid substitution p.Asn986Ser. This variant has been documented in patients with breast cancer from large cohort studies (Supp. Table S3, Borg et al. 2010. PubMed ID: 20104584; Supplementary Table, Capanu et al. 2011. PubMed ID: 21520273; Supplementary Table 2, Wong-Brown et al. 2015. PubMed ID: 25682074). However, further clinical or functional evidence was not provided to assess the pathogenicity of this variant. This variant is reported in 0.010% of alleles in individuals of European (Non-Finnish) descent in gnomAD and has conflicting interpretations regarding its pathogenicity ranging from benign to uncertain in the ClinVar database. At this time, the clinical significance of this variant is uncertain due to the absence of conclusive functional and genetic evidence.

Counsyl
Classification: Uncertain significance for Breast-ovarian cancer, familial, susceptibility to, 2. Last evaluated: 2016-05-19. Review status: no assertion criteria provided. Collection method: clinical testing. Allele origin: unknown. Not counted in ClinVar's aggregate classification.

Foulkes Cancer Genetics LDI, Lady Davis Institute for Medical Research
Classification: Uncertain significance for Breast and/or ovarian cancer. Last evaluated: 2002-09-19. Review status: no assertion criteria provided. Collection method: clinical testing. Allele origin: germline. Study: The Canadian Open Genetics Repository (COGR). Not counted in ClinVar's aggregate classification.

Breast Cancer Information Core (BIC) (BRCA2)
Classification: Benign for Breast-ovarian cancer, familial 2. Last evaluated: 2002-05-29. Review status: no assertion criteria provided. Collection method: clinical testing. Allele origin: germline. Affected: yes. Observed: 7 variant alleles. Not counted in ClinVar's aggregate classification.

Literature cited by the submitters: PubMed 20104584 (cited by 5 submitters); PubMed 21520273 (cited by 3 submitters); PubMed 23929434 (cited by 3 submitters); PubMed 25682074 (cited by 4 submitters); PubMed 33471991 (cited by Women's Health and Genetics/Laboratory Corporation of America, LabCorp and Sema4); PubMed 33293522 (cited by Women's Health and Genetics/Laboratory Corporation of America, LabCorp and Quest Diagnostics Nichols Institute San Juan Capistrano).